The following is an entry in ClinVar:

NM_001330288.2(SMARCC2):c.2959C>A (p.Gln987Lys)

Gene: SMARCC2 (SWI/SNF related BAF chromatin remodeling complex subunit C2; minus strand). Cytogenetic location: 12q13.2.
Variant type: single nucleotide variant.
Coding change: c.2959C>A on transcript NM_001330288.2 (MANE Select); coding-DNA position 2959, C replaced by A.
Protein change: p.Gln987Lys; replaces glutamine 987 with lysine.
Molecular consequence: missense variant.
Genome position (GRCh38, 1-based): chr12:56,165,591, G>T on the plus strand (C>A on the coding strand, the complement: SMARCC2 is on the minus strand). VCF-style: chr12-56165591-G-T. GRCh37 (hg19) VCF-style: chr12-56559375-G-T.
Other names: c.2959C>A, p.Gln987Lys (NM_001130420.3, NM_139067.4); c.2866C>A, p.Gln956Lys (NM_003075.5); short protein forms Q956K, Q987K.
Identifiers: ClinVar variation 3366167 (VCV003366167.1).

ClinVar aggregate classification (germline): Uncertain significance (1 of 4 stars; one submission).

Submission:

GeneDx
Classification: Uncertain significance. Last evaluated: 2023-10-15. Review status: criteria provided, single submitter. Criteria: GeneDx Variant Classification Process June 2021. Collection method: clinical testing. Allele origin: germline. Affected: yes.
Comment: Not observed at significant frequency in large population cohorts (gnomAD); In silico analysis supports that this missense variant does not alter protein structure/function; Has not been previously published as pathogenic or benign to our knowledge